The following is an entry in ClinVar:

ClinVar aggregate classification (germline): Pathogenic (1 of 4 stars; one submission).

Conditions:
Walker-Warburg congenital muscular dystrophy. Also called: Muscular dystrophy-dystroglycanopathy, type A; Walker-Warburg syndrome. Identifiers: Orphanet 899, MedGen C0265221, MONDO:0000171.

Submission:

Labcorp Genetics (formerly Invitae), Labcorp
Classification: Pathogenic for Walker-Warburg congenital muscular dystrophy. Last evaluated: 2024-04-07. Review status: criteria provided, single submitter. Criteria: Invitae Variant Classification Sherloc (09022015). Collection method: clinical testing. Allele origin: germline.
Comment: This sequence change creates a premature translational stop signal (p.Asp438Metfs*52) in the FKRP gene. While this is not anticipated to result in nonsense mediated decay, it is expected to disrupt the last 50 amino acid(s) of the FKRP protein. This variant is not present in population databases (gnomAD no frequency). This variant has not been reported in the literature in individuals affected with FKRP-related conditions. This variant disrupts a region of the FKRP protein in which other variant(s) (p.Gln460*) have been determined to be pathogenic (PMID: 16476814). This suggests that this is a clinically significant region of the protein, and that variants that disrupt it are likely to be disease-causing. For these reasons, this variant has been classified as Pathogenic.

Literature cited by the submitters: PubMed 16476814.

NM_024301.5(FKRP):c.1312del (p.Asp438fs)

Gene: FKRP (fukutin related protein; plus strand). Cytogenetic location: 19q13.32.
Variant type: Deletion.
Coding change: c.1312del on transcript NM_024301.5 (MANE Select); coding-DNA position 1312, one base deleted (G; older notation c.1312delG).
Protein change: p.Asp438fs; shifts the reading frame from aspartic acid 438.
Molecular consequence: frameshift variant.
Genome position (GRCh38, 1-based): chr19:46,756,762, G deleted; the last of 2 consecutive G bases (chr19:46,756,761-46,756,762); deleting either gives the same sequence. VCF-style (leftmost placement, unchanged base first): chr19-46756760-AG-A. GRCh37 (hg19) VCF-style: chr19-47260017-AG-A.
Other names: c.1312del, p.Asp438fs (NM_001039885.3); short protein forms D438fs.
Identifiers: ClinVar variation 3649066 (VCV003649066.2).